The following is an entry in ClinVar:

NM_182914.3(SYNE2):c.6796G>C (p.Asp2266His)

Gene: SYNE2 (spectrin repeat containing nuclear envelope protein 2; plus strand). Cytogenetic location: 14q23.2.
Variant type: single nucleotide variant.
Coding change: c.6796G>C on transcript NM_182914.3 (MANE Select); coding-DNA position 6796, G replaced by C.
Protein change: p.Asp2266His; replaces aspartic acid 2266 with histidine.
Molecular consequence: missense variant.
Genome position (GRCh38, 1-based): chr14:64,029,976, G>C. VCF-style: chr14-64029976-G-C. GRCh37 (hg19) VCF-style: chr14-64496694-G-C.
Other names: c.6796G>C, p.Asp2266His (NM_015180.6); short protein forms D2266H.
Identifiers: ClinVar variation 3347891 (VCV003347891.1).

ClinVar aggregate classification (germline): Uncertain significance (0 of 4 stars; one submission).

Conditions:
SYNE2-related disorder. Also called: SYNE2-related condition.

Submission:

PreventionGenetics, part of Exact Sciences
Classification: Uncertain significance for SYNE2-related condition. Last evaluated: 2024-05-14. Review status: no assertion criteria provided. Collection method: clinical testing. Allele origin: germline.
Comment: The SYNE2 c.6796G>C variant is predicted to result in the amino acid substitution p.Asp2266His. To our knowledge, this variant has not been reported in the literature or in a large population database, indicating this variant is rare. At this time, the clinical significance of this variant is uncertain due to the absence of conclusive functional and genetic evidence.